The following is an entry in ClinVar:

NM_014714.4(IFT140):c.240G>T (p.Trp80Cys)

Genes: IFT140 (intraflagellar transport 140; minus strand), LOC105371046 (uncharacterized LOC105371046; plus strand). Cytogenetic location: 16p13.3.
Variant type: single nucleotide variant.
Coding change: c.240G>T on transcript NM_014714.4 (MANE Select); coding-DNA position 240, G replaced by T.
Protein change: p.Trp80Cys; replaces tryptophan 80 with cysteine.
Molecular consequence: missense variant.
Genome position (GRCh38, 1-based): chr16:1,602,499, C>A on the plus strand (G>T on the coding strand, the complement: IFT140 is on the minus strand). VCF-style: chr16-1602499-C-A. GRCh37 (hg19) VCF-style: chr16-1652500-C-A.
Other names: short protein forms W80C.
Identifiers: ClinVar variation 967118 (VCV000967118.8), dbSNP rs1471379682, ClinGen allele CA394223199.

ClinVar aggregate classification (germline): Uncertain significance (1 of 4 stars; one submission).

Conditions:
Saldino-Mainzer syndrome (SRTD9). Also called: CONORENAL SYNDROME; SHORT-RIB THORACIC DYSPLASIA 9 WITHOUT POLYDACTYLY; short-rib thoracic dysplasia 9 with or without polydactyly; Renal dysplasia, retinal pigmentary dystrophy, cerebellar ataxia and skeletal dysplasia. Identifiers: Orphanet 140969, MedGen C1849437, MONDO:0009964, OMIM 266920.

Allele frequency attached by ClinVar (database versions not stated): gnomAD exomes below 0.00001.
gnomAD v4.1: 3 of 1,614,068 alleles (0.00019%); highest among the groups gnomAD compares: Admixed American, 0.005%; no homozygotes.

Submission:

Labcorp Genetics (formerly Invitae), Labcorp
Classification: Uncertain significance for Saldino-Mainzer syndrome. Last evaluated: 2024-02-24. Review status: criteria provided, single submitter. Criteria: Invitae Variant Classification Sherloc (09022015). Collection method: clinical testing. Allele origin: germline.
Comment: This sequence change replaces tryptophan, which is neutral and slightly polar, with cysteine, which is neutral and slightly polar, at codon 80 of the IFT140 protein (p.Trp80Cys). This variant is present in population databases (no rsID available, gnomAD 0.003%). This variant has not been reported in the literature in individuals affected with IFT140-related conditions. ClinVar contains an entry for this variant (Variation ID: 967118). Advanced modeling of protein sequence and biophysical properties (such as structural, functional, and spatial information, amino acid conservation, physicochemical variation, residue mobility, and thermodynamic stability) has been performed at Invitae for this missense variant, however the output from this modeling did not meet the statistical confidence thresholds required to predict the impact of this variant on IFT140 protein function. In summary, the available evidence is currently insufficient to determine the role of this variant in disease. Therefore, it has been classified as a Variant of Uncertain Significance.